The following is an entry in ClinVar:

NM_000548.5(TSC2):c.3880G>A (p.Ala1294Thr)

Gene: TSC2 (TSC complex subunit 2; plus strand). Cytogenetic location: 16p13.3.
Variant type: single nucleotide variant.
Coding change: c.3880G>A on transcript NM_000548.5 (MANE Select); coding-DNA position 3880, G replaced by A.
Protein change: p.Ala1294Thr; replaces alanine 1294 with threonine.
Molecular consequence: missense variant. On other transcripts: non-coding transcript variant (1), intron variant (33).
Genome position (GRCh38, 1-based): chr16:2,082,501, G>A. VCF-style: chr16-2082501-G-A. GRCh37 (hg19) VCF-style: chr16-2132502-G-A.
Other names: c.2407G>A, p.Ala803Thr (NM_001406690.1); c.2404G>A, p.Ala802Thr (NM_001406691.1); c.3751G>A, p.Ala1251Thr (NM_021055.3, NM_001370405.1); c.2341+703G>A (NM_001406693.1, NM_001406692.1, NM_001406694.1); c.3775+703G>A (NM_001406667.1); c.3772+703G>A (NM_001406668.1); c.3214+703G>A (NM_001406683.1, NM_001406682.1); c.3082+703G>A (NM_001406687.1, NM_001406688.1); and 25 more; short protein forms A1251T, A802T, A1050T, A1094T, A1250T, A1293T, A1294T, A803T.
Identifiers: ClinVar variation 2716861 (VCV002716861.3), dbSNP rs2544192673, ClinGen allele CA394295297.

ClinVar aggregate classification (germline): Uncertain significance (1 of 4 stars; one submission).

Conditions:
Tuberous sclerosis 2 (TSC2). Identifiers: Orphanet 805, MedGen C1860707, MONDO:0013199, OMIM 613254.

Submission:

Labcorp Genetics (formerly Invitae), Labcorp
Classification: Uncertain significance for Tuberous sclerosis 2. Last evaluated: 2023-09-10. Review status: criteria provided, single submitter. Criteria: Invitae Variant Classification Sherloc (09022015). Collection method: clinical testing. Allele origin: germline.
Comment: In summary, the available evidence is currently insufficient to determine the role of this variant in disease. Therefore, it has been classified as a Variant of Uncertain Significance. Algorithms developed to predict the effect of sequence changes on RNA splicing suggest that this variant may create or strengthen a splice site. Advanced modeling of protein sequence and biophysical properties (such as structural, functional, and spatial information, amino acid conservation, physicochemical variation, residue mobility, and thermodynamic stability) performed at Invitae indicates that this missense variant is not expected to disrupt TSC2 protein function. This variant has not been reported in the literature in individuals affected with TSC2-related conditions. This variant is not present in population databases (gnomAD no frequency). This sequence change replaces alanine, which is neutral and non-polar, with threonine, which is neutral and polar, at codon 1294 of the TSC2 protein (p.Ala1294Thr).